The following is an entry in ClinVar:

ClinVar aggregate classification (germline): Uncertain significance (1 of 4 stars; one submission).

Conditions:
Deficiency of hyaluronoglucosaminidase (MPS9). Also called: Mucopolysaccharidosis type 9; HYALURONIDASE DEFICIENCY; MPS IX. Identifiers: Orphanet 67041, MedGen C1291490, MONDO:0011093, OMIM 601492.

Allele frequency attached by ClinVar (database versions not stated): TOPMed below 0.00001.

Submission:

Labcorp Genetics (formerly Invitae), Labcorp
Classification: Uncertain significance for Deficiency of hyaluronoglucosaminidase. Last evaluated: 2021-09-02. Review status: criteria provided, single submitter. Criteria: Invitae Variant Classification Sherloc (09022015). Collection method: clinical testing. Allele origin: germline.
Comment: In summary, the available evidence is currently insufficient to determine the role of this variant in disease. Therefore, it has been classified as a Variant of Uncertain Significance. Algorithms developed to predict the effect of missense changes on protein structure and function (SIFT, PolyPhen-2, Align-GVGD) all suggest that this variant is likely to be disruptive. This variant has not been reported in the literature in individuals affected with HYAL1-related conditions. This variant is not present in population databases (ExAC no frequency). This sequence change replaces tryptophan with arginine at codon 133 of the HYAL1 protein (p.Trp133Arg). The tryptophan residue is highly conserved and there is a moderate physicochemical difference between tryptophan and arginine.

NM_033159.4(HYAL1):c.397T>C (p.Trp133Arg)

Gene: HYAL1 (hyaluronidase 1; minus strand). Cytogenetic location: 3p21.31.
Variant type: single nucleotide variant.
Coding change: c.397T>C on transcript NM_033159.4 (MANE Select); coding-DNA position 397, T replaced by C.
Protein change: p.Trp133Arg; replaces tryptophan 133 with arginine.
Molecular consequence: missense variant. On other transcripts: 5 prime UTR variant (1), non-coding transcript variant (1), intron variant (1).
Genome position (GRCh38, 1-based): chr3:50,302,560, A>G on the plus strand (T>C on the coding strand, the complement: HYAL1 is on the minus strand). VCF-style: chr3-50302560-A-G. GRCh37 (hg19) VCF-style: chr3-50339991-A-G.
Other names: c.397T>C, p.Trp133Arg (NM_153281.2, NM_153282.3); c.-150T>C (NM_153283.3); c.-26-355T>C (NM_153285.3); short protein forms W133R.
Identifiers: ClinVar variation 1358247 (VCV001358247.6), dbSNP rs1471550375, ClinGen allele CA352894543.